The following is an entry in ClinVar:

ClinVar aggregate classification (germline): Uncertain significance (1 of 4 stars; one submission).

Conditions:
Nemaline myopathy 10 (NEM10). Identifiers: MedGen C4015360, MONDO:0014513, OMIM 616165.

Allele frequency attached by ClinVar (database versions not stated): gnomAD exomes below 0.00001.
gnomAD v4.1: 1 of 1,612,482 alleles (0.000062%); highest among the groups gnomAD compares: Admixed American, 0.0017%; no homozygotes.

Submission:

Labcorp Genetics (formerly Invitae), Labcorp
Classification: Uncertain significance for Nemaline myopathy 10. Last evaluated: 2022-06-27. Review status: criteria provided, single submitter. Criteria: Invitae Variant Classification Sherloc (09022015). Collection method: clinical testing. Allele origin: germline.
Comment: This variant is present in population databases (no rsID available, gnomAD 0.003%). In summary, the available evidence is currently insufficient to determine the role of this variant in disease. Therefore, it has been classified as a Variant of Uncertain Significance. Algorithms developed to predict the effect of sequence changes on RNA splicing suggest that this variant may create or strengthen a splice site. Algorithms developed to predict the effect of missense changes on protein structure and function are either unavailable or do not agree on the potential impact of this missense change (SIFT: "Deleterious"; PolyPhen-2: "Probably Damaging"; Align-GVGD: "Class C15"). This variant has not been reported in the literature in individuals affected with LMOD3-related conditions. This sequence change replaces glutamic acid, which is acidic and polar, with valine, which is neutral and non-polar, at codon 88 of the LMOD3 protein (p.Glu88Val).

NM_198271.5(LMOD3):c.263A>T (p.Glu88Val)

Genes: LMOD3 (leiomodin 3; minus strand), LOC126806710 (CDK7 strongly-dependent group 2 enhancer GRCh37_chr3:69170601-69171800; plus strand). Cytogenetic location: 3p14.1.
Variant type: single nucleotide variant.
Coding change: c.263A>T on transcript NM_198271.5 (MANE Select); coding-DNA position 263, A replaced by T.
Protein change: p.Glu88Val; replaces glutamic acid 88 with valine.
Molecular consequence: missense variant.
Genome position (GRCh38, 1-based): chr3:69,122,124, T>A on the plus strand (A>T on the coding strand, the complement: LMOD3 is on the minus strand). VCF-style: chr3-69122124-T-A. GRCh37 (hg19) VCF-style: chr3-69171275-T-A.
Other names: c.263A>T, p.Glu88Val (NM_001304418.3); short protein forms E88V.
Identifiers: ClinVar variation 1516194 (VCV001516194.6), dbSNP rs1289180080, ClinGen allele CA353478783.